The following is an entry in ClinVar:

ClinVar aggregate classification (germline): Pathogenic (1 of 4 stars; one submission).

Conditions:
Mitochondrial trifunctional protein deficiency. Identifiers: Orphanet 746, MedGen C1969443, MONDO:0012172.
Long chain 3-hydroxyacyl-CoA dehydrogenase deficiency. Also called: Deficiency of long-chain 3-hydroxyacyl-coenzyme A dehydrogenase; LCHAD Deficiency. Identifiers: Orphanet 5, MedGen C3711645, MONDO:0012173, OMIM 609016.

Submission:

Labcorp Genetics (formerly Invitae), Labcorp
Classification: Pathogenic for Mitochondrial trifunctional protein deficiency; Long chain 3-hydroxyacyl-CoA dehydrogenase deficiency. Last evaluated: 2022-10-28. Review status: criteria provided, single submitter. Criteria: Invitae Variant Classification Sherloc (09022015). Collection method: clinical testing. Allele origin: germline.
Comment: This sequence change affects a donor splice site in intron 7 of the HADHA gene. It is expected to disrupt RNA splicing. Variants that disrupt the donor or acceptor splice site typically lead to a loss of protein function (PMID: 16199547), and loss-of-function variants in HADHA are known to be pathogenic (PMID: 7738175, 21103935, 21549624, 22459206). This variant is not present in population databases (gnomAD no frequency). For these reasons, this variant has been classified as Pathogenic. Algorithms developed to predict the effect of sequence changes on RNA splicing suggest that this variant may disrupt the consensus splice site. ClinVar contains an entry for this variant (Variation ID: 944315). Disruption of this splice site has been observed in individual(s) with mitochondrial trifunctional protein deficiency (PMID: 21549624).

Literature cited by the submitters: PubMed 16199547; PubMed 7738175; PubMed 21103935; PubMed 21549624; PubMed 22459206.

NM_000182.5(HADHA):c.676+1G>A

Gene: HADHA (hydroxyacyl-CoA dehydrogenase trifunctional multienzyme complex subunit alpha; minus strand). Cytogenetic location: 2p23.3.
Variant type: single nucleotide variant.
Coding change: c.676+1G>A on transcript NM_000182.5 (MANE Select); the canonical splice donor site of the intron after coding-DNA position 676, G replaced by A.
Molecular consequence: splice donor variant.
Genome position (GRCh38, 1-based): chr2:26,230,191, C>T on the plus strand (G>A on the coding strand, the complement: HADHA is on the minus strand). VCF-style: chr2-26230191-C-T. GRCh37 (hg19) VCF-style: chr2-26453059-C-T.
Identifiers: ClinVar variation 944315 (VCV000944315.8), dbSNP rs1670587668, ClinGen allele CA346092139.